The following is an entry in ClinVar:

ClinVar aggregate classification (germline): Benign/Likely benign. Review status: criteria provided, multiple submitters, no conflicts (2 of 4 stars). 4 submissions from 4 submitters: Benign (2); Likely benign (2). Last evaluated 2026-01-08.

Conditions:
Nephrotic syndrome, type 12 (NPHS12). Identifiers: Orphanet 656, MedGen C4225166, MONDO:0014817, OMIM 616892.

Allele frequency attached by ClinVar (database versions not stated): gnomAD exomes 0.00104 and 0.00213; ExAC 0.00206; 1000 Genomes Project 0.00300; gnomAD 0.00364 and 0.00378; 1000 Genomes Project 30x 0.00375; ESP Exome Variant Server 0.00385; TOPMed 0.00448.
gnomAD v4.1: 2,171 of 1,606,122 alleles (0.14%); highest among the groups gnomAD compares: African/African-American, 0.83%; 6 homozygotes.

Submissions (4):

Labcorp Genetics (formerly Invitae), Labcorp
Classification: Benign. Last evaluated: 2026-01-08. Review status: criteria provided, single submitter. Criteria: Invitae Variant Classification Sherloc (09022015). Collection method: clinical testing. Allele origin: germline.

Mayo Clinic Laboratories, Mayo Clinic
Classification: Likely benign. Last evaluated: 2025-01-31. Review status: criteria provided, single submitter. Criteria: ACMG Guidelines, 2015. Collection method: clinical testing. Allele origin: germline. Observed: 1 variant allele.
Comment: BS1, BP4, BP7

Fulgent Genetics
Classification: Likely benign for Nephrotic syndrome, type 12. Last evaluated: 2022-04-08. Review status: criteria provided, single submitter. Criteria: ACMG Guidelines, 2015. Collection method: clinical testing. Allele origin: unknown.

Breakthrough Genomics
Classification: Benign. Review status: criteria provided, single submitter. Criteria: ACMG Guidelines, 2015. Collection method: not provided. Allele origin: germline. Inheritance: Autosomal recessive inheritance. Affected: yes.

NM_014669.5(NUP93):c.179+9T>G

Gene: NUP93 (nucleoporin 93; plus strand). Cytogenetic location: 16q13.
Variant type: single nucleotide variant.
Coding change: c.179+9T>G on transcript NM_014669.5 (MANE Select); 9 bases into the intron after coding-DNA position 179, T replaced by G.
Molecular consequence: intron variant.
Genome position (GRCh38, 1-based): chr16:56,748,435, T>G. VCF-style: chr16-56748435-T-G. GRCh37 (hg19) VCF-style: chr16-56782347-T-G.
Other names: p.?.
Identifiers: ClinVar variation 1635121 (VCV001635121.11), dbSNP rs189526861, ClinGen allele CA8067994.